The following is an entry in ClinVar:

NM_022740.5(HIPK2):c.2228C>T (p.Ala743Val)

Gene: HIPK2 (homeodomain interacting protein kinase 2; minus strand). Cytogenetic location: 7q34.
Variant type: single nucleotide variant.
Coding change: c.2228C>T on transcript NM_022740.5 (MANE Select); coding-DNA position 2228, C replaced by T.
Protein change: p.Ala743Val; replaces alanine 743 with valine.
Molecular consequence: missense variant.
Genome position (GRCh38, 1-based): chr7:139,604,108, G>A on the plus strand (C>T on the coding strand, the complement: HIPK2 is on the minus strand). VCF-style: chr7-139604108-G-A. GRCh37 (hg19) VCF-style: chr7-139288854-G-A.
Other names: c.2147C>T, p.Ala716Val (NM_001113239.3); short protein forms A716V, A743V.
Identifiers: ClinVar variation 4035271 (VCV004035271.1).
Genomic context (GRCh38, chr7:139,604,108, plus strand): 5'-CACCCACTCACCCTAGAGGGGTTTCCTGCTTACCTCCAGTCCGCCAGCTGCTGGGTGCCT[G>A]CCATGGTCTCGGGAATCACGGTGGCATGCTGCACTGATGTGTGGGTGGCCACTCCAGTCA-3'
Protein context (NP_073577.3, residues 733-753): QHATVIPETM[Ala743Val]GTQQLADWRN

ClinVar aggregate classification (germline): Uncertain significance (1 of 4 stars; one submission).

Submission:

Ambry Genetics
Classification: Uncertain significance. Last evaluated: 2025-04-01. Review status: criteria provided, single submitter. Criteria: Ambry Variant Classification Scheme 2023. Collection method: clinical testing. Allele origin: germline.
Comment: The c.2228C>T (p.A743V) alteration is located in exon (coding exon ) of the HIPK2 gene. This alteration results from a C to T substitution at nucleotide position 2228, causing the alanine (A) at amino acid position 743 to be replaced by a valine (V). Based on insufficient or conflicting evidence, the clinical significance of this alteration remains unclear.